The following is an entry in ClinVar:

ClinVar aggregate classification (germline): Benign/Likely benign. Review status: criteria provided, multiple submitters, no conflicts (2 of 4 stars). 6 submissions from 6 submitters: Benign (2); Likely benign (4). Last evaluated 2025-10-29.

Conditions:
Cardiovascular phenotype. Identifiers: MedGen CN230736.
Cardiomyopathy (CMYO). Also called: Cardiomyopathies. Identifiers: Orphanet 167848, MedGen C0878544, MONDO:0004994, HP:0001638. Inheritance: Various modes of inheritance.
Catecholaminergic polymorphic ventricular tachycardia 1. Also called: VENTRICULAR TACHYCARDIA, CATECHOLAMINERGIC POLYMORPHIC, 1, WITH OR WITHOUT ATRIAL DYSFUNCTION AND/OR DILATED CARDIOMYOPATHY; VENTRICULAR TACHYCARDIA, STRESS-INDUCED POLYMORPHIC 1; RYR2-Related Catecholaminergic Polymorphic Ventricular Tachycardia. Identifiers: Orphanet 3286, MedGen C1631597, MONDO:0011484, OMIM 604772.
Catecholaminergic polymorphic ventricular tachycardia (CVPT). Also called: Catecholamine-induced polymorphic ventricular tachycardia. Identifiers: Orphanet 3286, MedGen C5574922, MONDO:0017990.

Allele frequency attached by ClinVar (database versions not stated): gnomAD below 0.00001 and 0.00006; TOPMed below 0.00001; gnomAD exomes 0.00004 and 0.00009; ExAC 0.00015; 1000 Genomes Project 30x 0.00016.
gnomAD v4.1: 70 of 1,560,124 alleles (0.0045%); highest among the groups gnomAD compares: South Asian, 0.071%; no homozygotes.

Submissions (6):

Labcorp Genetics (formerly Invitae), Labcorp
Classification: Likely benign for Catecholaminergic polymorphic ventricular tachycardia 1. Last evaluated: 2025-10-29. Review status: criteria provided, single submitter. Criteria: Invitae Variant Classification Sherloc (09022015). Collection method: clinical testing. Allele origin: germline.

Blueprint Genetics
Classification: Likely benign. Last evaluated: 2024-10-09. Review status: criteria provided, single submitter. Criteria: ACMG Guidelines, 2015. Collection method: clinical testing. Allele origin: germline.

All of Us Research Program, National Institutes of Health
Classification: Benign for Catecholaminergic polymorphic ventricular tachycardia. Last evaluated: 2024-06-09. Review status: criteria provided, single submitter. Criteria: ACMG Guidelines, 2015. Collection method: clinical testing. Allele origin: germline. Inheritance: Autosomal dominant inheritance. Observed: 1 variant allele, 1 heterozygote.
Comment: This study involves interpretation of variants in research participants for the purpose of population health screening. Participant phenotype was not available at the time of variant classification. Additional details can be found in publication PMID: 35346344, PMCID: PMC8962531

Ambry Genetics
Classification: Likely benign for Cardiovascular phenotype. Last evaluated: 2021-05-18. Review status: criteria provided, single submitter. Criteria: Ambry Variant Classification Scheme 2023. Collection method: clinical testing. Allele origin: germline.

Color Diagnostics, LLC DBA Color Health
Classification: Benign for Cardiomyopathy. Last evaluated: 2018-10-16. Review status: criteria provided, single submitter. Criteria: ACMG Guidelines, 2015. Collection method: clinical testing. Allele origin: germline.

Laboratory for Molecular Medicine, Mass General Brigham Personalized Medicine
Classification: Likely benign. Last evaluated: 2012-07-03. Review status: criteria provided, single submitter. Criteria: LMM Criteria. Collection method: clinical testing. Allele origin: germline. Observed: 1 variant allele.
Comment: Tyr125Tyr in exon 6 of RYR2: This variant is not expected to have clinical signi ficance because it does not alter an amino acid residue and is not located withi n the splice consensus sequence. Tyr125Tyr in exon 6 of RYR2 (allele frequency = n/a)

NM_001035.3(RYR2):c.375T>C (p.Tyr125=)

Gene: RYR2 (ryanodine receptor 2; plus strand). Cytogenetic location: 1q43.
Variant type: single nucleotide variant.
Coding change: c.375T>C on transcript NM_001035.3 (MANE Select); coding-DNA position 375, T replaced by C.
Protein change: p.Tyr125=; no amino-acid change (tyrosine 125 retained).
Molecular consequence: synonymous variant.
Genome position (GRCh38, 1-based): chr1:237,369,599, T>C. VCF-style: chr1-237369599-T-C. GRCh37 (hg19) VCF-style: chr1-237532899-T-C.
Identifiers: ClinVar variation 43776 (VCV000043776.23), dbSNP rs397516528, ClinGen allele CA009348.
Genomic context (GRCh38, chr1:237,369,599, plus strand): 5'-TCAAGGTGGTGGTCATCGAACACTCCTCTACGGACATGCCATATTGCTGCGCCATTCCTA[T>C]AGTGGCATGGTGAGTAGGCATTTGATTTCATCTCCCTGTGGTCATGCTGATCCATTTGGG-3'
Protein context (NP_001026.2, residues 115-135): YGHAILLRHS[Tyr125=]SGMYLCCLST